The following is an entry in ClinVar:

NM_001080467.3(MYO5B):c.3811G>A (p.Ala1271Thr)

Gene: MYO5B (myosin VB; minus strand). Cytogenetic location: 18q21.1.
Variant type: single nucleotide variant.
Coding change: c.3811G>A on transcript NM_001080467.3 (MANE Select); coding-DNA position 3811, G replaced by A.
Protein change: p.Ala1271Thr; replaces alanine 1271 with threonine.
Molecular consequence: missense variant.
Genome position (GRCh38, 1-based): chr18:49,864,173, C>T on the plus strand (G>A on the coding strand, the complement: MYO5B is on the minus strand). VCF-style: chr18-49864173-C-T. GRCh37 (hg19) VCF-style: chr18-47390543-C-T.
Other names: c.3811G>A (NM_001080467.2); short protein forms A1271T.
Identifiers: ClinVar variation 1937141 (VCV001937141.3), dbSNP rs774939708, ClinGen allele CA8960587.

ClinVar aggregate classification (germline): Uncertain significance. Review status: criteria provided, multiple submitters, no conflicts (2 of 4 stars). 2 submissions from 2 submitters: Uncertain significance (2). Last evaluated 2025-05-28.

Conditions:
MYO5B-related disorder. Also called: MYO5B-related condition.

Allele frequency attached by ClinVar (database versions not stated): gnomAD exomes below 0.00001; ExAC 0.00001; gnomAD 0.00001.
gnomAD v4.1: 3 of 1,611,472 alleles (0.00019%); highest among the groups gnomAD compares: Admixed American, 0.0033%; no homozygotes.

Submissions (2):

PreventionGenetics, part of Exact Sciences
Classification: Uncertain significance for MYO5B-related condition. Last evaluated: 2025-05-28. Review status: criteria provided, single submitter. Criteria: ACMG Guidelines, 2015. Collection method: clinical testing. Allele origin: germline.
Comment: The MYO5B c.3811G>A variant is predicted to result in the amino acid substitution p.Ala1271Thr. To our knowledge, this variant has not been reported in the literature. This variant is reported in 0.0058% of alleles in individuals of Latino descent in gnomAD. At this time, the clinical significance of this variant is uncertain due to the absence of conclusive functional and genetic evidence.

Labcorp Genetics (formerly Invitae), Labcorp
Classification: Uncertain significance. Last evaluated: 2022-07-12. Review status: criteria provided, single submitter. Criteria: Invitae Variant Classification Sherloc (09022015). Collection method: clinical testing. Allele origin: germline.
Comment: This sequence change replaces alanine, which is neutral and non-polar, with threonine, which is neutral and polar, at codon 1271 of the MYO5B protein (p.Ala1271Thr). This variant is present in population databases (rs774939708, gnomAD 0.006%). This variant has not been reported in the literature in individuals affected with MYO5B-related conditions. Algorithms developed to predict the effect of missense changes on protein structure and function output the following: SIFT: "Tolerated"; PolyPhen-2: "Benign"; Align-GVGD: "Class C0". The threonine amino acid residue is found in multiple mammalian species, which suggests that this missense change does not adversely affect protein function. In summary, the available evidence is currently insufficient to determine the role of this variant in disease. Therefore, it has been classified as a Variant of Uncertain Significance.